The following is an entry in ClinVar:

NM_153240.5(NPHP3):c.3759G>A (p.Leu1253=)

Genes: NPHP3 (nephrocystin 3; minus strand), NPHP3-ACAD11 (NPHP3-ACAD11 readthrough (NMD candidate); minus strand). Cytogenetic location: 3q22.1.
Variant type: single nucleotide variant.
Coding change: c.3759G>A on transcript NM_153240.5 (MANE Select); coding-DNA position 3759, G replaced by A.
Protein change: p.Leu1253=; no amino-acid change (leucine 1253 retained).
Molecular consequence: synonymous variant. On other transcripts: non-coding transcript variant (1).
Genome position (GRCh38, 1-based): chr3:132,682,756, C>T on the plus strand (G>A on the coding strand, the complement: NPHP3 is on the minus strand). VCF-style: chr3-132682756-C-T. GRCh37 (hg19) VCF-style: chr3-132401600-C-T.
Other names: p.Leu1253=.
Identifiers: ClinVar variation 262710 (VCV000262710.23), dbSNP rs6794496, ClinGen allele CA2621652.

ClinVar aggregate classification (germline): Benign/Likely benign. Review status: criteria provided, multiple submitters, no conflicts (2 of 4 stars). 12 submissions from 10 submitters: Benign (8); Likely benign (1). 3 of the submissions do not count toward it. Last evaluated 2026-02-04.

Conditions:
Nephronophthisis. Also called: Juvenile Nephronophthisis. Identifiers: Orphanet 655, MedGen C0687120, MONDO:0019005, HP:0000090.
NPHP3-related Meckel-like syndrome. Also called: GOLDSTON SYNDROME; Meckel syndrome type 7. Identifiers: Orphanet 3032, MedGen C2673885, MONDO:0009966, OMIM 267010.
Renal-hepatic-pancreatic dysplasia 1 (RHPD1). Identifiers: MedGen C3715199, MONDO:0008833, OMIM 208540.
Nephronophthisis 3 (NPHP3). Also called: Adolescent nephronophthisis. Identifiers: Orphanet 655, MedGen C1858392, MONDO:0011456, OMIM 604387.

Allele frequency attached by ClinVar (database versions not stated): ESP Exome Variant Server 0.12648; gnomAD 0.13621 and 0.14324; TOPMed 0.13670; gnomAD exomes 0.14309 and 0.16102; ExAC 0.16388; 1000 Genomes Project 30x 0.21299; 1000 Genomes Project 0.22324.
gnomAD v4.1: 231,080 of 1,612,284 alleles (14%); highest among the groups gnomAD compares: East Asian, 59%; 21,825 homozygotes.

Submissions (12):

Labcorp Genetics (formerly Invitae), Labcorp
Classification: Benign for Nephronophthisis. Last evaluated: 2026-02-04. Review status: criteria provided, single submitter. Criteria: Invitae Variant Classification Sherloc (09022015). Collection method: clinical testing. Allele origin: germline.

Blueprint Genetics
Classification: Likely benign. Last evaluated: 2024-11-27. Review status: criteria provided, single submitter. Criteria: ACMG Guidelines, 2015. Collection method: clinical testing. Allele origin: germline.

Mayo Clinic Laboratories, Mayo Clinic
Classification: Benign. Last evaluated: 2022-05-05. Review status: criteria provided, single submitter. Criteria: ACMG Guidelines, 2015. Collection method: clinical testing. Allele origin: germline. Observed: 185 variant alleles.

Illumina Laboratory Services, Illumina
Classification: Benign for NPHP3-related Meckel-like syndrome. Last evaluated: 2018-01-13. Review status: criteria provided, single submitter. Criteria: ICSL Variant Classification Criteria 13 December 2019. Collection method: clinical testing. Allele origin: germline.
Comment: This variant was observed in the ICSL laboratory as part of a predisposition screen in an ostensibly healthy population. It had not been previously curated by ICSL or reported in the Human Gene Mutation Database (HGMD: prior to June 1st, 2018), and was therefore a candidate for classification through an automated scoring system. Utilizing variant allele frequency, disease prevalence and penetrance estimates, and inheritance mode, an automated score was calculated to assess if this variant is too frequent to cause the disease. Based on the score and internal cut-off values, a variant classified as benign is not then subjected to further curation. The score for this variant resulted in a classification of benign for this disease.

Illumina Laboratory Services, Illumina
Classification: Benign for Nephronophthisis 3. Last evaluated: 2018-01-13. Review status: criteria provided, single submitter. Criteria: ICSL Variant Classification Criteria 13 December 2019. Collection method: clinical testing. Allele origin: germline.
Comment: the same text as in the submission from Illumina Laboratory Services, Illumina above.

Illumina Laboratory Services, Illumina
Classification: Benign for Renal-hepatic-pancreatic dysplasia 1. Last evaluated: 2018-01-13. Review status: criteria provided, single submitter. Criteria: ICSL Variant Classification Criteria 13 December 2019. Collection method: clinical testing. Allele origin: germline.
Comment: the same text as in the submission from Illumina Laboratory Services, Illumina above.

GeneDx
Classification: Benign. Last evaluated: 2016-01-22. Review status: criteria provided, single submitter. Criteria: GeneDx Variant Classification (06012015). Collection method: clinical testing. Allele origin: germline. Affected: yes.
Comment: This variant is considered likely benign or benign based on one or more of the following criteria: it is a conservative change, it occurs at a poorly conserved position in the protein, it is predicted to be benign by multiple in silico algorithms, and/or has population frequency not consistent with disease.

Breakthrough Genomics
Classification: Benign. Review status: criteria provided, single submitter. Criteria: ACMG Guidelines, 2015. Collection method: not provided. Allele origin: germline. Inheritance: Autosomal recessive inheritance. Affected: yes.

PreventionGenetics, part of Exact Sciences
Classification: Benign. Review status: criteria provided, single submitter. Criteria: ACMG Guidelines, 2015. Collection method: clinical testing. Allele origin: germline.

Clinical Genetics DNA and cytogenetics Diagnostics Lab, Erasmus MC, Erasmus Medical Center
Classification: Benign. Review status: no assertion criteria provided. Collection method: clinical testing. Allele origin: germline. Affected: yes. Study: VKGL Data-share Consensus. Not counted in ClinVar's aggregate classification.

Genome Diagnostics Laboratory, University Medical Center Utrecht
Classification: Benign. Review status: no assertion criteria provided. Collection method: clinical testing. Allele origin: germline. Affected: yes. Study: VKGL Data-share Consensus. Not counted in ClinVar's aggregate classification.

Joint Genome Diagnostic Labs from Nijmegen and Maastricht, Radboudumc and MUMC+
Classification: Benign. Review status: no assertion criteria provided. Collection method: clinical testing. Allele origin: germline. Affected: yes. Study: VKGL Data-share Consensus. Not counted in ClinVar's aggregate classification.